The following is an entry in ClinVar:

NM_001142966.3(GREB1L):c.4735+8G>A

Gene: GREB1L (GREB1 like retinoic acid receptor coactivator; plus strand). Cytogenetic location: 18q11.2.
Variant type: single nucleotide variant.
Coding change: c.4735+8G>A on transcript NM_001142966.3 (MANE Select); 8 bases into the intron after coding-DNA position 4735, G replaced by A.
Molecular consequence: intron variant.
Genome position (GRCh38, 1-based): chr18:21,508,599, G>A. VCF-style: chr18-21508599-G-A. GRCh37 (hg19) VCF-style: chr18-19088560-G-A.
Other names: c.4735+8G>A (NM_001142966.1); c.4864+8G>A (NM_001410867.1); c.4408+8G>A (NM_001410868.1).
Identifiers: ClinVar variation 3709554 (VCV003709554.3).

ClinVar aggregate classification (germline): Benign/Likely benign. Review status: criteria provided, multiple submitters, no conflicts (2 of 4 stars). 2 submissions from 2 submitters: Benign (1); Likely benign (1). Last evaluated 2025-02-07.

Conditions:
GREB1L-related disorder. Also called: GREB1L-related condition.

gnomAD v4.1: 24 of 1,550,422 alleles (0.0015%); highest among the groups gnomAD compares: East Asian, 0.056%; no homozygotes.

Submissions (2):

PreventionGenetics, part of Exact Sciences
Classification: Likely benign for GREB1L-related condition. Last evaluated: 2025-02-07. Review status: criteria provided, single submitter. Criteria: ACMG Guidelines, 2015. Collection method: clinical testing. Allele origin: germline.
Comment: This variant is classified as likely benign based on ACMG/AMP sequence variant interpretation guidelines (Richards et al. 2015 PMID: 25741868, with internal and published modifications).

Labcorp Genetics (formerly Invitae), Labcorp
Classification: Benign. Last evaluated: 2024-12-06. Review status: criteria provided, single submitter. Criteria: Invitae Variant Classification Sherloc (09022015). Collection method: clinical testing. Allele origin: germline.